The following is an entry in ClinVar:

ClinVar aggregate classification (germline): Pathogenic. Review status: criteria provided, multiple submitters, no conflicts (2 of 4 stars). 3 submissions from 3 submitters: Pathogenic (3). Last evaluated 2025-08-27.

Conditions:
Microcephaly with or without chorioretinopathy, lymphedema, or impaired intellectual development. Also called: MICROCEPHALY AND CHORIORETINOPATHY WITH OR WITHOUT MENTAL RETARDATION, AUTOSOMAL DOMINANT; MICROCEPHALY, LYMPHEDEMA, CHORIORETINAL DYSPLASIA SYNDROME; Microcephaly lymphedema chorioretinal dysplasia; Microcephaly with or without chorioretinopathy, lymphedema, or mental retardation; Microcephaly with or without chorioretinopathy, lymphedema, or intellectual disability. Identifiers: Orphanet 2526, MedGen C1835265, MONDO:0007918, OMIM 152950.

Submissions (3):

GeneDx
Classification: Pathogenic. Last evaluated: 2025-08-27. Review status: criteria provided, single submitter. Criteria: GeneDx Variant Classification Process June 2021. Collection method: clinical testing. Allele origin: germline. Affected: yes.
Comment: Nonsense variant predicted to result in protein truncation or nonsense mediated decay in a gene for which loss of function is a known mechanism of disease; Not observed at significant frequency in large population cohorts (gnomAD); Has not been previously published as pathogenic or benign to our knowledge

3billion
Classification: Pathogenic for Microcephaly with or without chorioretinopathy, lymphedema, or impaired intellectual development. Last evaluated: 2025-06-19. Review status: criteria provided, single submitter. Criteria: ACMG Guidelines, 2015. Collection method: clinical testing. Allele origin: germline. Affected: yes.
Comment: The variant is not observed in the gnomAD v4.1.0 dataset. Predicted Consequence/Location: Stop-gained (nonsense): predicted to result in a loss or disruption of normal protein function through nonsense-mediated decay (NMD) or protein truncation. Multiple pathogenic variants are reported downstream of the variant. The variant has been reported at least twice as pathogenic with clinical assertions and evidence for the classification (ClinVar ID: VCV001070069 /3billion dataset). Therefore, this variant is classified as Pathogenic according to the recommendation of ACMG/AMP guideline.

Labcorp Genetics (formerly Invitae), Labcorp
Classification: Pathogenic. Last evaluated: 2022-10-25. Review status: criteria provided, single submitter. Criteria: Invitae Variant Classification Sherloc (09022015). Collection method: clinical testing. Allele origin: germline.
Comment: This sequence change creates a premature translational stop signal (p.Arg53*) in the KIF11 gene. It is expected to result in an absent or disrupted protein product. Loss-of-function variants in KIF11 are known to be pathogenic (PMID: 22284827, 24281367). This variant is not present in population databases (gnomAD no frequency). This variant has not been reported in the literature in individuals affected with KIF11-related conditions. ClinVar contains an entry for this variant (Variation ID: 1070069). For these reasons, this variant has been classified as Pathogenic.

Literature cited by the submitters: PubMed 22284827 (cited by Labcorp Genetics (formerly Invitae), Labcorp); PubMed 24281367 (cited by Labcorp Genetics (formerly Invitae), Labcorp).

NM_004523.4(KIF11):c.157C>T (p.Arg53Ter)

Gene: KIF11 (kinesin family member 11; plus strand). Cytogenetic location: 10q23.33.
Variant type: single nucleotide variant.
Coding change: c.157C>T on transcript NM_004523.4 (MANE Select); coding-DNA position 157, C replaced by T.
Protein change: p.Arg53Ter; replaces arginine 53 with a stop codon.
Molecular consequence: nonsense.
Genome position (GRCh38, 1-based): chr10:92,606,344, C>T. VCF-style: chr10-92606344-C-T. GRCh37 (hg19) VCF-style: chr10-94366101-C-T.
Other names: short protein forms R53*.
Identifiers: ClinVar variation 1070069 (VCV001070069.15), dbSNP rs2135900558, ClinGen allele CA377587845.